The following is an entry in ClinVar:

ClinVar aggregate classification (germline): Benign/Likely benign. Review status: criteria provided, multiple submitters, no conflicts (2 of 4 stars). 3 submissions from 3 submitters: Benign (1); Likely benign (2). Last evaluated 2026-01-28.

Conditions:
Chédiak-Higashi syndrome (CHS). Also called: Chediak-Higashi Syndrome. Identifiers: Orphanet 167, MedGen C0007965, MONDO:0008963, OMIM 214500.

Allele frequency attached by ClinVar (database versions not stated): gnomAD exomes 0.00037 and 0.00079; gnomAD 0.00044 and 0.00061; TOPMed 0.00058 and 0.00091; ExAC 0.00082; 1000 Genomes Project 30x 0.00172; 1000 Genomes Project 0.00200.
gnomAD v4.1: 621 of 1,606,584 alleles (0.039%); highest among the groups gnomAD compares: East Asian, 1.2%; 6 homozygotes.

Submissions (3):

Labcorp Genetics (formerly Invitae), Labcorp
Classification: Benign for Chédiak-Higashi syndrome. Last evaluated: 2026-01-28. Review status: criteria provided, single submitter. Criteria: Invitae Variant Classification Sherloc (09022015). Collection method: clinical testing. Allele origin: germline.

Blueprint Genetics
Classification: Likely benign. Last evaluated: 2024-09-05. Review status: criteria provided, single submitter. Criteria: ACMG Guidelines, 2015. Collection method: clinical testing. Allele origin: germline.

Illumina Laboratory Services, Illumina
Classification: Likely benign for Chédiak-Higashi syndrome. Last evaluated: 2018-01-12. Review status: criteria provided, single submitter. Criteria: ICSL Variant Classification Criteria 13 December 2019. Collection method: clinical testing. Allele origin: germline.
Comment: This variant was observed in the ICSL laboratory as part of a predisposition screen in an ostensibly healthy population. It had not been previously curated by ICSL or reported in the Human Gene Mutation Database (HGMD: prior to June 1st, 2018), and was therefore a candidate for classification through an automated scoring system. Utilizing variant allele frequency, disease prevalence and penetrance estimates, and inheritance mode, an automated score was calculated to assess if this variant is too frequent to cause the disease. Based on the score and internal cut-off values, a variant classified as likely benign is not then subjected to further curation. The score for this variant resulted in a classification of likely benign for this disease.

NM_000081.4(LYST):c.8368A>C (p.Lys2790Gln)

Gene: LYST (lysosomal trafficking regulator; minus strand). Cytogenetic location: 1q42.3.
Variant type: single nucleotide variant.
Coding change: c.8368A>C on transcript NM_000081.4 (MANE Select); coding-DNA position 8368, A replaced by C.
Protein change: p.Lys2790Gln; replaces lysine 2790 with glutamine.
Molecular consequence: missense variant.
Genome position (GRCh38, 1-based): chr1:235,734,650, T>G on the plus strand (A>C on the coding strand, the complement: LYST is on the minus strand). VCF-style: chr1-235734650-T-G. GRCh37 (hg19) VCF-style: chr1-235897950-T-G.
Other names: c.8368A>C, p.Lys2790Gln (NM_001301365.1); short protein forms K2790Q.
Identifiers: ClinVar variation 296373 (VCV000296373.15), dbSNP rs138506576, ClinGen allele CA1465869.